The following is an entry in ClinVar:

ClinVar aggregate classification (germline): Uncertain significance. Review status: criteria provided, single submitter (1 of 4 stars). 2 submissions from 2 submitters: Uncertain significance (1). 1 of the submissions does not count toward it. Last evaluated 2021-09-01.

Conditions:
Autosomal recessive polycystic kidney disease (ARPKD). Also called: AR polycystic kidney disease. Identifiers: Orphanet 731, Orphanet 8378, MedGen C0085548, MeSH D017044, MONDO:0009889.

Allele frequency attached by ClinVar (database versions not stated): gnomAD exomes below 0.00001 and 0.00002; gnomAD 0.00001; ExAC 0.00002; TOPMed 0.00002.
gnomAD v4.1: 7 of 1,613,520 alleles (0.00043%); highest among the groups gnomAD compares: Admixed American, 0.0067%; no homozygotes.

Submissions (2):

Labcorp Genetics (formerly Invitae), Labcorp
Classification: Uncertain significance for Autosomal recessive polycystic kidney disease. Last evaluated: 2021-09-01. Review status: criteria provided, single submitter. Criteria: Invitae Variant Classification Sherloc (09022015). Collection method: clinical testing. Allele origin: germline.
Comment: This sequence change replaces serine with isoleucine at codon 587 of the PKHD1 protein (p.Ser587Ile). The serine residue is highly conserved and there is a large physicochemical difference between serine and isoleucine. This variant is present in population databases (rs769095204, ExAC 0.02%). This variant has not been reported in the literature in individuals affected with PKHD1-related conditions. Algorithms developed to predict the effect of missense changes on protein structure and function are either unavailable or do not agree on the potential impact of this missense change (SIFT: "Deleterious"; PolyPhen-2: "Probably Damaging"; Align-GVGD: "Class C0"). In summary, the available evidence is currently insufficient to determine the role of this variant in disease. Therefore, it has been classified as a Variant of Uncertain Significance.

Natera, Inc.
Classification: Uncertain significance for Autosomal recessive polycystic kidney disease. Last evaluated: 2020-08-14. Review status: no assertion criteria provided. Collection method: clinical testing. Allele origin: germline. Not counted in ClinVar's aggregate classification.

NM_138694.4(PKHD1):c.1760G>T (p.Ser587Ile)

Gene: PKHD1 (PKHD1 ciliary IPT domain containing fibrocystin/polyductin; minus strand). Cytogenetic location: 6p12.2.
Variant type: single nucleotide variant.
Coding change: c.1760G>T on transcript NM_138694.4 (MANE Select); coding-DNA position 1760, G replaced by T.
Protein change: p.Ser587Ile; replaces serine 587 with isoleucine.
Molecular consequence: missense variant.
Genome position (GRCh38, 1-based): chr6:52,055,663, C>A on the plus strand (G>T on the coding strand, the complement: PKHD1 is on the minus strand). VCF-style: chr6-52055663-C-A. GRCh37 (hg19) VCF-style: chr6-51920461-C-A.
Other names: c.1760G>T, p.Ser587Ile (NM_170724.3); short protein forms S587I.
Identifiers: ClinVar variation 989995 (VCV000989995.7), dbSNP rs769095204, ClinGen allele CA3853455.